The following is an entry in ClinVar:

ClinVar aggregate classification (germline): Uncertain significance. Review status: criteria provided, multiple submitters, no conflicts (2 of 4 stars). 2 submissions from 2 submitters: Uncertain significance (2). Last evaluated 2025-09-19.

Conditions:
Inborn genetic diseases. Identifiers: MedGen C0950123, MeSH D030342.

Allele frequency attached by ClinVar (database versions not stated): ExAC 0.00003; TOPMed 0.00003; gnomAD 0.00009.
gnomAD v4.1: 30 of 1,610,508 alleles (0.0019%); highest among the groups gnomAD compares: Admixed American, 0.02%; no homozygotes.

Submissions (2):

Women's Health and Genetics/Laboratory Corporation of America, LabCorp
Classification: Uncertain significance. Last evaluated: 2025-09-19. Review status: criteria provided, single submitter. Criteria: LabCorp Variant Classification Summary - May 2015. Collection method: clinical testing. Allele origin: germline.
Comment: Variant summary: SMPD4 c.244A>G (p.Ile82Val) results in a conservative amino acid change in the encoded protein sequence. Algorithms developed to predict the effect of missense changes on protein structure and function are either unavailable or do not agree on the potential impact of this missense change. The variant allele was found at a frequency of 1.6e-05 in 248916 control chromosomes. The available data on variant occurrences in the general population are insufficient to allow any conclusion about variant significance. To our knowledge, no occurrence of c.244A>G in individuals affected with SMPD4-related conditions and no experimental evidence demonstrating its impact on protein function have been reported. ClinVar contains an entry for this variant (Variation ID: 2372097). Based on the evidence outlined above, the variant was classified as uncertain significance.

Ambry Genetics
Classification: Uncertain significance for Inborn genetic diseases. Last evaluated: 2022-02-02. Review status: criteria provided, single submitter. Criteria: Ambry Variant Classification Scheme 2023. Collection method: clinical testing. Allele origin: germline.

NM_017951.5(SMPD4):c.244A>G (p.Ile82Val)

Gene: SMPD4 (sphingomyelin phosphodiesterase 4; minus strand). Cytogenetic location: 2q21.1.
Variant type: single nucleotide variant.
Coding change: c.244A>G on transcript NM_017951.5 (MANE Select); coding-DNA position 244, A replaced by G.
Protein change: p.Ile82Val; replaces isoleucine 82 with valine.
Molecular consequence: missense variant. On other transcripts: non-coding transcript variant (1), intron variant (1).
Genome position (GRCh38, 1-based): chr2:130,173,539, T>C on the plus strand (A>G on the coding strand, the complement: SMPD4 is on the minus strand). VCF-style: chr2-130173539-T-C. GRCh37 (hg19) VCF-style: chr2-130931112-T-C.
Other names: c.361A>G, p.Ile121Val (NM_017751.4); c.244-644A>G (NM_001171083.2); short protein forms I82V, I121V.
Identifiers: ClinVar variation 2372097 (VCV002372097.3), dbSNP rs779889347, ClinGen allele CA1870294.